The following is an entry in ClinVar:

ClinVar aggregate classification (germline): Benign/Likely benign. Review status: criteria provided, multiple submitters, no conflicts (2 of 4 stars). 3 submissions from 3 submitters: Benign (1); Likely benign (1). 1 of the submissions does not count toward it. Last evaluated 2025-12-13.

Conditions:
Holoprosencephaly 9 (HPE9). Also called: PITUITARY ANOMALIES WITH HOLOPROSENCEPHALY-LIKE FEATURES; HOLOPROSENCEPHALY WITH MICROPHTHALMIA AND FIRST BRANCHIAL ARCH ANOMALIES. Identifiers: Orphanet 2162, MedGen C1835819, MONDO:0012563, OMIM 610829.
Postaxial polydactyly-anterior pituitary anomalies-facial dysmorphism syndrome. Also called: Culler-Jones syndrome. Identifiers: Orphanet 420584, MedGen C4014479, MONDO:0014369, OMIM 615849.
GLI2-related disorder. Also called: GLI2-related disorders; GLI2-related condition.

Allele frequency attached by ClinVar (database versions not stated): ExAC 0.00015; gnomAD exomes 0.00018; gnomAD 0.00029 and 0.00031; 1000 Genomes Project 30x 0.00031; 1000 Genomes Project 0.00040; TOPMed 0.00045.
gnomAD v4.1: 171 of 1,607,328 alleles (0.011%); highest among the groups gnomAD compares: East Asian, 0.12%; 1 homozygote.

Submissions (3):

Labcorp Genetics (formerly Invitae), Labcorp
Classification: Benign for Postaxial polydactyly-anterior pituitary anomalies-facial dysmorphism syndrome; Holoprosencephaly 9. Last evaluated: 2025-12-13. Review status: criteria provided, single submitter. Criteria: Invitae Variant Classification Sherloc (09022015). Collection method: clinical testing. Allele origin: germline.

Illumina Laboratory Services, Illumina
Classification: Likely benign for Holoprosencephaly 9. Last evaluated: 2018-01-12. Review status: criteria provided, single submitter. Criteria: ICSL Variant Classification Criteria 13 December 2019. Collection method: clinical testing. Allele origin: germline.
Comment: This variant was observed in the ICSL laboratory as part of a predisposition screen in an ostensibly healthy population. It had not been previously curated by ICSL or reported in the Human Gene Mutation Database (HGMD: prior to June 1st, 2018), and was therefore a candidate for classification through an automated scoring system. Utilizing variant allele frequency, disease prevalence and penetrance estimates, and inheritance mode, an automated score was calculated to assess if this variant is too frequent to cause the disease. Based on the score and internal cut-off values, a variant classified as likely benign is not then subjected to further curation. The score for this variant resulted in a classification of likely benign for this disease.

PreventionGenetics, part of Exact Sciences
Classification: Likely benign for GLI2-related condition. Last evaluated: 2023-12-29. Review status: no assertion criteria provided. Collection method: clinical testing. Allele origin: germline. Not counted in ClinVar's aggregate classification.
Comment: This variant is classified as likely benign based on ACMG/AMP sequence variant interpretation guidelines (Richards et al. 2015 PMID: 25741868, with internal and published modifications).

NM_001374353.1(GLI2):c.4170G>A (p.Pro1390=)

Gene: GLI2 (GLI family zinc finger 2; plus strand). Cytogenetic location: 2q14.2.
Variant type: single nucleotide variant.
Coding change: c.4170G>A on transcript NM_001374353.1 (MANE Select); coding-DNA position 4170, G replaced by A.
Protein change: p.Pro1390=; no amino-acid change (proline 1390 retained).
Molecular consequence: synonymous variant.
Genome position (GRCh38, 1-based): chr2:120,990,135, G>A. VCF-style: chr2-120990135-G-A. GRCh37 (hg19) VCF-style: chr2-121747711-G-A.
Other names: c.4221G>A, p.Pro1407= (NM_001371271.1, NM_005270.5); c.3795G>A, p.Pro1265= (NM_001374354.1).
Identifiers: ClinVar variation 330993 (VCV000330993.14), dbSNP rs200149538, ClinGen allele CA1852569.